The following is an entry in ClinVar:

ClinVar aggregate classification (germline): Pathogenic (1 of 4 stars; one submission).

Conditions:
Hereditary cancer-predisposing syndrome. Also called: Neoplastic Syndromes, Hereditary; Tumor predisposition; Hereditary Cancer Syndrome; Hereditary neoplastic syndrome. Identifiers: Orphanet 140162, MedGen C0027672, MeSH D009386, MONDO:0015356.

Submission:

Ambry Genetics
Classification: Pathogenic for Hereditary cancer-predisposing syndrome. Last evaluated: 2025-07-01. Review status: criteria provided, single submitter. Criteria: Ambry Variant Classification Scheme 2023. Collection method: clinical testing. Allele origin: germline.
Comment: The c.4911_4913delAGAinsG pathogenic mutation, located in coding exon 14 of the BRCA1 gene, results from the deletion of 3 nucleotides (AGA) and insertion of one nucleotide (G) causing a translational frameshift with a predicted alternate stop codon (p.E1638Ifs*40). This variant is considered to be rare based on population cohorts in the Genome Aggregation Database (gnomAD). This alteration is expected to result in loss of function by premature protein truncation or nonsense-mediated mRNA decay. As such, this alteration is interpreted as a disease-causing mutation.

NM_007294.4(BRCA1):c.4911_4913delinsG (p.Glu1638fs)

Gene: BRCA1 (BRCA1 DNA repair associated; minus strand). Cytogenetic location: 17q21.31.
Variant type: Indel.
Coding change: c.4911_4913delinsG on transcript NM_007294.4 (MANE Select); coding-DNA positions 4911 to 4913, AGA replaced by G.
Protein change: p.Glu1638fs; shifts the reading frame from glutamic acid 1638.
Molecular consequence: frameshift variant. On other transcripts: intron variant (1).
Genome position (GRCh38, 1-based): chr17:43,071,001-43,071,003, TCT replaced by C on the plus strand (AGA replaced by G on the coding strand, the reverse complement: BRCA1 is on the minus strand). VCF-style: chr17-43071001-TCT-C. GRCh37 (hg19) VCF-style: chr17-41223018-TCT-C.
Other names: c.4698_4700delinsG, p.Glu1567fs (NM_001407896.1, NM_001407897.1, NM_001407898.1 and 12 more transcripts); c.1392_1394delinsG, p.Glu465fs (NM_001408478.1, NM_001408479.1, NM_001408480.1); c.1389_1391delinsG, p.Glu464fs (NM_001408481.1, NM_001408482.1, NM_001408483.1 and 5 more transcripts); c.1386_1388delinsG, p.Glu463fs (NM_001408492.1, NM_001408493.1); c.1362_1364delinsG, p.Glu455fs (NM_001408494.1); c.1356_1358delinsG, p.Glu453fs (NM_001408495.1); c.1338_1340delinsG, p.Glu447fs (NM_001408496.1, NM_001408497.1, NM_001408498.1 and 3 more transcripts); c.1335_1337delinsG, p.Glu446fs (NM_001408502.1, NM_001408503.1, NM_001408504.1); and 71 more; short protein forms E1469fs, E1548fs, E1549fs, E1550fs, E1571fs, E1619fs, E1637fs, E1659fs.
Identifiers: ClinVar variation 4215071 (VCV004215071.1).
Genomic context (GRCh38, chr17:43,071,001, plus strand): 5'-GTCAGGCCAGACACCACCATGGACATTCTTTTGTTGACCCTTTCTGTTGAAGCTGTCAAT[TCT>C]GGCTTCTCCCTGCTCACACTTTCTTCCATTGCATTATACCCAGCAGTATCAGTAGTATGA-3'